The following is an entry in ClinVar:

NM_024642.5(GALNT12):c.1423A>G (p.Ile475Val)

Gene: GALNT12 (polypeptide N-acetylgalactosaminyltransferase 12; plus strand). Cytogenetic location: 9q22.33.
Variant type: single nucleotide variant.
Coding change: c.1423A>G on transcript NM_024642.5 (MANE Select); coding-DNA position 1423, A replaced by G.
Protein change: p.Ile475Val; replaces isoleucine 475 with valine.
Molecular consequence: missense variant.
Genome position (GRCh38, 1-based): chr9:98,844,174, A>G. VCF-style: chr9-98844174-A-G. GRCh37 (hg19) VCF-style: chr9-101606456-A-G.
Other names: short protein forms I475V.
Identifiers: ClinVar variation 3852649 (VCV003852649.1).
Genomic context (GRCh38, chr9:98,844,174, plus strand): 5'-ACAGACTACTGCTTTGACTATAACCCTCCCGATGAAAACCAGATTGTGGGACACCAGGTC[A>G]TTCTGTACCTCTGTCATGGGATGGGCCAGAATCAGGTAGGTATGAGCCTCAAAAGAGGAG-3'
Protein context (NP_078918.3, residues 465-485): DENQIVGHQV[Ile475Val]LYLCHGMGQN

ClinVar aggregate classification (germline): Uncertain significance (1 of 4 stars; one submission).

Submission:

Ambry Genetics
Classification: Uncertain significance. Last evaluated: 2025-02-02. Review status: criteria provided, single submitter. Criteria: Ambry Variant Classification Scheme 2023. Collection method: clinical testing. Allele origin: germline.
Comment: The p.I475V variant (also known as c.1423A>G), located in coding exon 8 of the GALNT12 gene, results from an A to G substitution at nucleotide position 1423. The isoleucine at codon 475 is replaced by valine, an amino acid with highly similar properties. This amino acid position is conserved. In addition, this alteration is predicted to be tolerated by in silico analysis. Based on the available evidence, the clinical significance of this variant remains unclear.